The following is an entry in ClinVar:

NM_030665.4(RAI1):c.222C>T (p.Ala74=)

Gene: RAI1 (retinoic acid induced 1; plus strand). Cytogenetic location: 17p11.2.
Variant type: single nucleotide variant.
Coding change: c.222C>T on transcript NM_030665.4 (MANE Select); coding-DNA position 222, C replaced by T.
Protein change: p.Ala74=; no amino-acid change (alanine 74 retained).
Molecular consequence: synonymous variant.
Genome position (GRCh38, 1-based): chr17:17,793,170, C>T. VCF-style: chr17-17793170-C-T. GRCh37 (hg19) VCF-style: chr17-17696484-C-T.
Identifiers: ClinVar variation 1788073 (VCV001788073.9), dbSNP rs768129379, ClinGen allele CA8418077.
Genomic context (GRCh38, chr17:17,793,170, plus strand): 5'-GCCTTACCCGAGCTATGAGGGTGGCGCTGGCACGCCCTCTGGCACTGCAGCCGCGGTGGC[C>T]GCCGACAAGTACCACCGAGGCAGCAAGGCCCTGCCCACACAGCAAGGCCTGCAGGGGAGG-3'
Protein context (NP_109590.3, residues 64-84): GTPSGTAAAV[Ala74=]ADKYHRGSKA

ClinVar aggregate classification (germline): Likely benign. Review status: criteria provided, multiple submitters, no conflicts (2 of 4 stars). 4 submissions from 4 submitters: Likely benign (4). Last evaluated 2025-12-21.

Conditions:
Inborn genetic diseases. Identifiers: MedGen C0950123, MeSH D030342.
RAI1-related disorder. Also called: RAI1-related condition.

Allele frequency attached by ClinVar (database versions not stated): gnomAD 0.00001; TOPMed 0.00002; ExAC 0.00003.
gnomAD v4.1: 40 of 1,613,106 alleles (0.0025%); highest among the groups gnomAD compares: Admixed American, 0.0033%; no homozygotes.

Submissions (4):

Labcorp Genetics (formerly Invitae), Labcorp
Classification: Likely benign. Last evaluated: 2025-12-21. Review status: criteria provided, single submitter. Criteria: Invitae Variant Classification Sherloc (09022015). Collection method: clinical testing. Allele origin: germline.

PreventionGenetics, part of Exact Sciences
Classification: Likely benign for RAI1-related condition. Last evaluated: 2025-08-26. Review status: criteria provided, single submitter. Criteria: ACMG Guidelines, 2015. Collection method: clinical testing. Allele origin: germline.
Comment: This variant is classified as likely benign based on ACMG/AMP sequence variant interpretation guidelines (Richards et al. 2015 PMID: 25741868, with internal and published modifications).

Blueprint Genetics
Classification: Likely benign. Last evaluated: 2023-11-16. Review status: criteria provided, single submitter. Criteria: ACMG Guidelines, 2015. Collection method: clinical testing. Allele origin: germline.

Ambry Genetics
Classification: Likely benign for Inborn genetic diseases. Last evaluated: 2018-09-22. Review status: criteria provided, single submitter. Criteria: Ambry Variant Classification Scheme 2023. Collection method: clinical testing. Allele origin: germline.